The following is an entry in ClinVar:

ClinVar aggregate classification (germline): Uncertain significance (1 of 4 stars; one submission).

Conditions:
Rhabdoid tumor predisposition syndrome 2 (RTPS2). Identifiers: Orphanet 231108, Orphanet 69077, MedGen C2750074, MONDO:0013224, OMIM 613325.

Submission:

Labcorp Genetics (formerly Invitae), Labcorp
Classification: Uncertain significance for Rhabdoid tumor predisposition syndrome 2. Last evaluated: 2018-11-15. Review status: criteria provided, single submitter. Criteria: Invitae Variant Classification Sherloc (09022015). Collection method: clinical testing. Allele origin: germline.
Comment: In summary, the available evidence is currently insufficient to determine the role of this variant in disease. Therefore, it has been classified as a Variant of Uncertain Significance. Algorithms developed to predict the effect of missense changes on protein structure and function are either unavailable or do not agree on the potential impact of this missense change (SIFT: "Deleterious"; PolyPhen-2: "Benign"; Align-GVGD: "Class C55"). This variant has not been reported in the literature in individuals with SMARCA4-related disease. This variant is not present in population databases (ExAC no frequency). This sequence change replaces alanine with glycine at codon 505 of the SMARCA4 protein (p.Ala505Gly). The alanine residue is highly conserved and there is a small physicochemical difference between alanine and glycine.

NM_003072.5(SMARCA4):c.1514C>G (p.Ala505Gly)

Gene: SMARCA4 (SWI/SNF related BAF chromatin remodeling complex subunit ATPase 4; plus strand). Cytogenetic location: 19p13.2.
Variant type: single nucleotide variant.
Coding change: c.1514C>G on transcript NM_003072.5 (MANE Select); coding-DNA position 1514, C replaced by G.
Protein change: p.Ala505Gly; replaces alanine 505 with glycine.
Molecular consequence: missense variant. On other transcripts: non-coding transcript variant (1).
Genome position (GRCh38, 1-based): chr19:10,994,922, C>G. VCF-style: chr19-10994922-C-G. GRCh37 (hg19) VCF-style: chr19-11105598-C-G.
Other names: c.1514C>G, p.Ala505Gly (NM_001128844.3, NM_001128845.2, NM_001128846.2 and 5 more transcripts); short protein forms A505G.
Identifiers: ClinVar variation 657036 (VCV000657036.8), dbSNP rs1600068130, ClinGen allele CA404062155.
Genomic context (GRCh38, chr19:10,994,922, plus strand): 5'-ATTTCAAGGAATATCACAGATCCGTCACAGGCAAAATCCAGAAGCTGACCAAGGCAGTGG[C>G]CACGTACCATGCCAACACGGAGCGGGAGCAGAAGAAAGAGAACGAGCGGATCGAGAAGGA-3'
Protein context (NP_003063.2, residues 495-515): GKIQKLTKAV[Ala505Gly]TYHANTEREQ